The following is an entry in ClinVar:

ClinVar aggregate classification (germline): Uncertain significance (1 of 4 stars; one submission).

Submission:

Labcorp Genetics (formerly Invitae), Labcorp
Classification: Uncertain significance. Last evaluated: 2022-10-19. Review status: criteria provided, single submitter. Criteria: Invitae Variant Classification Sherloc (09022015). Collection method: clinical testing. Allele origin: germline.
Comment: Information on the frequency of this variant in the gnomAD database is not available, as this variant may be reported differently in the database. In summary, the available evidence is currently insufficient to determine the role of this variant in disease. Therefore, it has been classified as a Variant of Uncertain Significance. Algorithms developed to predict the effect of missense changes on protein structure and function are either unavailable or do not agree on the potential impact of this missense change (SIFT: "Not Available"; PolyPhen-2: "Benign"; Align-GVGD: "Not Available"). This variant has not been reported in the literature in individuals affected with FZD2-related conditions. This sequence change replaces glutamic acid, which is acidic and polar, with serine, which is neutral and polar, at codon 134 of the FZD2 protein (p.Glu134Ser).

NM_001466.4(FZD2):c.400_401inv (p.Glu134Ser)

Gene: FZD2 (frizzled class receptor 2; plus strand). Cytogenetic location: 17q21.31.
Variant type: Inversion.
Coding change: c.400_401inv on transcript NM_001466.4 (MANE Select).
Protein change: p.Glu134Ser; replaces glutamic acid 134 with serine.
Molecular consequence: missense variant.
Genome position: GRCh38 VCF-style: chr17-44558088-GA-TC. GRCh37 (hg19) VCF-style: chr17-42635456-GA-TC.
Other names: short protein forms E134S.
Identifiers: ClinVar variation 1719121 (VCV001719121.5), ClinGen allele CA2580094064.